The following is an entry in ClinVar:

ClinVar aggregate classification (germline): Uncertain significance (1 of 4 stars; one submission).

Conditions:
Autosomal dominant limb-girdle muscular dystrophy type 1G (LGMDD3). Also called: Limb-girdle muscular dystrophy, type 1G; MUSCULAR DYSTROPHY, LIMB-GIRDLE, AUTOSOMAL DOMINANT 3. Identifiers: Orphanet 55596, MedGen C1836765, MONDO:0012193, OMIM 609115.

Submission:

Labcorp Genetics (formerly Invitae), Labcorp
Classification: Uncertain significance for Autosomal dominant limb-girdle muscular dystrophy type 1G. Last evaluated: 2022-09-04. Review status: criteria provided, single submitter. Criteria: Invitae Variant Classification Sherloc (09022015). Collection method: clinical testing. Allele origin: germline.
Comment: This variant has not been reported in the literature in individuals affected with HNRNPDL-related conditions. In summary, the available evidence is currently insufficient to determine the role of this variant in disease. Therefore, it has been classified as a Variant of Uncertain Significance. Algorithms developed to predict the effect of missense changes on protein structure and function are either unavailable or do not agree on the potential impact of this missense change (SIFT: "Deleterious"; PolyPhen-2: "Benign"; Align-GVGD: "Class C0"). This variant is not present in population databases (gnomAD no frequency). This sequence change replaces phenylalanine, which is neutral and non-polar, with leucine, which is neutral and non-polar, at codon 15 of the HNRNPDL protein (p.Phe15Leu).

NM_031372.4(HNRNPDL):c.45C>A (p.Phe15Leu)

Gene: HNRNPDL (heterogeneous nuclear ribonucleoprotein D like; minus strand). Cytogenetic location: 4q21.22.
Variant type: single nucleotide variant.
Coding change: c.45C>A on transcript NM_031372.4 (MANE Select); coding-DNA position 45, C replaced by A.
Protein change: p.Phe15Leu; replaces phenylalanine 15 with leucine.
Molecular consequence: missense variant. On other transcripts: non-coding transcript variant (1).
Genome position (GRCh38, 1-based): chr4:82,429,646, G>T on the plus strand (C>A on the coding strand, the complement: HNRNPDL is on the minus strand). VCF-style: chr4-82429646-G-T. GRCh37 (hg19) VCF-style: chr4-83350799-G-T.
Other names: c.45C>A, p.Phe15Leu (NM_001207000.1); short protein forms F15L.
Identifiers: ClinVar variation 1995878 (VCV001995878.4), dbSNP rs1411677359, ClinGen allele CA357174027.